The following is an entry in ClinVar:

ClinVar aggregate classification (germline): Likely benign (1 of 4 stars; one submission).

Conditions:
MICU1-related disorder. Also called: MICU1-related condition.

gnomAD v4.1: 4 of 1,537,234 alleles (0.00026%); highest among the groups gnomAD compares: Non-Finnish European, 0.00018%; no homozygotes.

Submission:

PreventionGenetics, part of Exact Sciences
Classification: Likely benign for MICU1-related condition. Last evaluated: 2026-09-10. Review status: criteria provided, single submitter. Criteria: ACMG Guidelines, 2015. Collection method: clinical testing. Allele origin: germline.
Comment: This variant is classified as likely benign based on ACMG/AMP sequence variant interpretation guidelines (Richards et al. 2015 PMID: 25741868, with internal and published modifications).

NM_001195518.2(MICU1):c.735+8G>A

Gene: MICU1 (mitochondrial calcium uptake 1; minus strand). Cytogenetic location: 10q22.1.
Variant type: single nucleotide variant.
Coding change: c.735+8G>A on transcript NM_001195518.2 (MANE Select); 8 bases into the intron after coding-DNA position 735, G replaced by A.
Molecular consequence: intron variant.
Genome position (GRCh38, 1-based): chr10:72,477,166, C>T on the plus strand (G>A on the coding strand, the complement: MICU1 is on the minus strand). VCF-style: chr10-72477166-C-T. GRCh37 (hg19) VCF-style: chr10-74236924-C-T.
Other names: c.402+8G>A (NM_001441228.1); c.636+8G>A (NM_001441226.1); c.538-53795G>A (NM_001441229.1); c.612+8G>A (NM_001441227.1); c.51+8G>A (NM_001441233.1, NM_001441232.1); c.723+8G>A (NM_001441224.1); c.735+8G>A (NM_001441225.1, NM_001441223.1, NM_001441220.1 and 2 more transcripts); c.141+8G>A (NM_001441231.1, NM_001195519.2); and 5 more.
Identifiers: ClinVar variation 4991199 (VCV004991199.1).